The following is an entry in ClinVar:

ClinVar aggregate classification (germline): Pathogenic (1 of 4 stars; one submission).

Conditions:
Fanconi anemia (FA). Also called: Fanconi's anemia. Identifiers: Orphanet 84, MedGen C0015625, MeSH D005199, MONDO:0019391.

gnomAD v4.1: 1 of 1,605,768 alleles (0.000062%); highest among the groups gnomAD compares: Non-Finnish European, 0.000085%; no homozygotes.

Submission:

Labcorp Genetics (formerly Invitae), Labcorp
Classification: Pathogenic for Fanconi anemia. Last evaluated: 2023-07-17. Review status: criteria provided, single submitter. Criteria: Invitae Variant Classification Sherloc (09022015). Collection method: clinical testing. Allele origin: germline.
Comment: This sequence change creates a premature translational stop signal (p.Gln1181*) in the FANCD2 gene. It is expected to result in an absent or disrupted protein product. Loss-of-function variants in FANCD2 are known to be pathogenic (PMID: 17436244). This variant is not present in population databases (gnomAD no frequency). This variant has not been reported in the literature in individuals affected with FANCD2-related conditions. ClinVar contains an entry for this variant (Variation ID: 964531). For these reasons, this variant has been classified as Pathogenic.

Literature cited by the submitters: PubMed 17436244.

NM_001018115.3(FANCD2):c.3541C>T (p.Gln1181Ter)

Genes: FANCD2 (FA complementation group D2; plus strand), FANCD2OS (FANCD2 opposite strand; minus strand). Cytogenetic location: 3p25.3.
Variant type: single nucleotide variant.
Coding change: c.3541C>T on transcript NM_001018115.3 (MANE Select); coding-DNA position 3541, C replaced by T.
Protein change: p.Gln1181Ter; replaces glutamine 1181 with a stop codon.
Molecular consequence: nonsense. On other transcripts: intron variant (1).
Genome position (GRCh38, 1-based): chr3:10,088,523, C>T. VCF-style: chr3-10088523-C-T. GRCh37 (hg19) VCF-style: chr3-10130207-C-T.
Other names: c.3541C>T, p.Gln1181Ter (NM_001319984.2, NM_001374254.1, NM_033084.6); c.3430C>T, p.Gln1144Ter (NM_001374253.1); c.*44-6992G>A (NM_173472.2); short protein forms Q1144*, Q1181*.
Identifiers: ClinVar variation 964531 (VCV000964531.8), dbSNP rs1694376599, ClinGen allele CA351753168.